The following is an entry in ClinVar:

NM_014370.4(SRPK3):c.592G>A (p.Gly198Ser)

Gene: SRPK3 (SRSF protein kinase 3; plus strand). Cytogenetic location: Xq28.
Variant type: single nucleotide variant.
Coding change: c.592G>A on transcript NM_014370.4 (MANE Select); coding-DNA position 592, G replaced by A.
Protein change: p.Gly198Ser; replaces glycine 198 with serine.
Molecular consequence: missense variant.
Genome position (GRCh38, 1-based): chrX:153,782,962, G>A. VCF-style: chrX-153782962-G-A. GRCh37 (hg19) VCF-style: chrX-153048417-G-A.
Other names: c.592G>A, p.Gly198Ser (NM_001170760.2, NM_001170761.2); short protein forms G198S.
Identifiers: ClinVar variation 3600660 (VCV003600660.1).

ClinVar aggregate classification (germline): Uncertain significance (1 of 4 stars; one submission).

Submission:

GeneDx
Classification: Uncertain significance. Last evaluated: 2022-01-12. Review status: criteria provided, single submitter. Criteria: GeneDx Variant Classification Process June 2021. Collection method: clinical testing. Allele origin: germline. Affected: yes.
Comment: Not observed at significant frequency in large population cohorts (gnomAD); In silico analysis supports that this missense variant has a deleterious effect on protein structure/function; In silico analysis supports a deleterious effect on splicing; Has not been previously published as pathogenic or benign to our knowledge; Variants in candidate genes are classified as variants of uncertain significance in accordance with ACMG guidelines (Richards et al., 2015)